The following is an entry in ClinVar:

ClinVar aggregate classification (germline): Uncertain significance. Review status: criteria provided, multiple submitters, no conflicts (2 of 4 stars). 2 submissions from 2 submitters: Uncertain significance (2). Last evaluated 2024-08-12.

Allele frequency attached by ClinVar (database versions not stated): TOPMed below 0.00001; ExAC 0.00001; gnomAD 0.00001; gnomAD exomes 0.00001; ESP Exome Variant Server 0.00008.
gnomAD v4.1: 4 of 1,614,022 alleles (0.00025%); highest among the groups gnomAD compares: Non-Finnish European, 0.00034%; no homozygotes.

Submissions (2):

GeneDx
Classification: Uncertain significance. Last evaluated: 2024-08-12. Review status: criteria provided, single submitter. Criteria: GeneDx Variant Classification Process June 2021. Collection method: clinical testing. Allele origin: germline. Affected: yes.
Comment: Not observed at significant frequency in large population cohorts (gnomAD); In silico analysis supports that this missense variant has a deleterious effect on protein structure/function; Has not been previously published as pathogenic or benign to our knowledge

Labcorp Genetics (formerly Invitae), Labcorp
Classification: Uncertain significance. Last evaluated: 2023-12-30. Review status: criteria provided, single submitter. Criteria: Invitae Variant Classification Sherloc (09022015). Collection method: clinical testing. Allele origin: germline.
Comment: This sequence change replaces phenylalanine, which is neutral and non-polar, with cysteine, which is neutral and slightly polar, at codon 296 of the DFNA5 protein (p.Phe296Cys). This variant is present in population databases (rs147480137, gnomAD 0.002%). This variant has not been reported in the literature in individuals affected with DFNA5-related conditions. Advanced modeling of protein sequence and biophysical properties (such as structural, functional, and spatial information, amino acid conservation, physicochemical variation, residue mobility, and thermodynamic stability) performed at Invitae indicates that this missense variant is not expected to disrupt DFNA5 protein function with a negative predictive value of 80%. In summary, the available evidence is currently insufficient to determine the role of this variant in disease. Therefore, it has been classified as a Variant of Uncertain Significance.

NM_001127453.2(GSDME):c.887T>G (p.Phe296Cys)

Gene: GSDME (gasdermin E; minus strand). Cytogenetic location: 7p15.3.
Variant type: single nucleotide variant.
Coding change: c.887T>G on transcript NM_001127453.2 (MANE Select); coding-DNA position 887, T replaced by G.
Protein change: p.Phe296Cys; replaces phenylalanine 296 with cysteine.
Molecular consequence: missense variant.
Genome position (GRCh38, 1-based): chr7:24,708,230, A>C on the plus strand (T>G on the coding strand, the complement: GSDME is on the minus strand). VCF-style: chr7-24708230-A-C. GRCh37 (hg19) VCF-style: chr7-24747849-A-C.
Other names: c.395T>G, p.Phe132Cys (NM_001127454.2); c.887T>G, p.Phe296Cys (NM_004403.3); c.887T>G (NM_004403.2); short protein forms F296C, F132C.
Identifiers: ClinVar variation 2851070 (VCV002851070.4), dbSNP rs147480137, ClinGen allele CA4191512.